The following is an entry in ClinVar:

ClinVar aggregate classification (germline): Uncertain significance (1 of 4 stars; one submission).

Conditions:
Cystic fibrosis (CF). Also called: MUCOVISCIDOSIS. Identifiers: Orphanet 586, MedGen C0010674, MONDO:0009061, OMIM 219700. Disease mechanism: loss of function.

Submission:

Labcorp Genetics (formerly Invitae), Labcorp
Classification: Uncertain significance for Cystic fibrosis. Last evaluated: 2022-08-22. Review status: criteria provided, single submitter. Criteria: Invitae Variant Classification Sherloc (09022015). Collection method: clinical testing. Allele origin: germline.
Comment: This sequence change falls in intron 7 of the CFTR gene. It does not directly change the encoded amino acid sequence of the CFTR protein. This variant is not present in population databases (gnomAD no frequency). This variant has not been reported in the literature in individuals affected with CFTR-related conditions. Algorithms developed to predict the effect of sequence changes on RNA splicing suggest that this variant may create or strengthen a splice site. In summary, the available evidence is currently insufficient to determine the role of this variant in disease. Therefore, it has been classified as a Variant of Uncertain Significance.

NM_000492.4(CFTR):c.870-1110T>C

Gene: CFTR (CF transmembrane conductance regulator; plus strand). Cytogenetic location: 7q31.2.
Variant type: single nucleotide variant.
Coding change: c.870-1110T>C on transcript NM_000492.4 (MANE Select); 1110 bases into the intron before coding-DNA position 870, T replaced by C.
Molecular consequence: intron variant.
Genome position (GRCh38, 1-based): chr7:117,538,990, T>C. VCF-style: chr7-117538990-T-C. GRCh37 (hg19) VCF-style: chr7-117179044-T-C.
Identifiers: ClinVar variation 2182677 (VCV002182677.1), dbSNP rs2485024879, ClinGen allele CA2580076381.